The following is an entry in ClinVar:

ClinVar aggregate classification (germline): Uncertain significance (1 of 4 stars; one submission).

Conditions:
Peroxisome biogenesis disorder 3A (Zellweger). Also called: Peroxisome biogenesis disorder 3A; PEROXISOMAL BIOGENESIS DISORDER 3A (ZELLWEGER). Identifiers: Orphanet 912, MedGen C3553929, MONDO:0013927, OMIM 614859.

Allele frequency attached by ClinVar (database versions not stated): TOPMed below 0.00001.

Submission:

Labcorp Genetics (formerly Invitae), Labcorp
Classification: Uncertain significance for Peroxisome biogenesis disorder 3A (Zellweger). Last evaluated: 2022-01-01. Review status: criteria provided, single submitter. Criteria: Invitae Variant Classification Sherloc (09022015). Collection method: clinical testing. Allele origin: germline.
Comment: In summary, the available evidence is currently insufficient to determine the role of this variant in disease. Therefore, it has been classified as a Variant of Uncertain Significance. Algorithms developed to predict the effect of missense changes on protein structure and function (SIFT, PolyPhen-2, Align-GVGD) all suggest that this variant is likely to be tolerated. This variant has not been reported in the literature in individuals affected with PEX12-related conditions. This variant is not present in population databases (gnomAD no frequency). This sequence change replaces glutamine, which is neutral and polar, with arginine, which is basic and polar, at codon 101 of the PEX12 protein (p.Gln101Arg).

NM_000286.3(PEX12):c.302A>G (p.Gln101Arg)

Gene: PEX12 (peroxisomal biogenesis factor 12; minus strand). Cytogenetic location: 17q12.
Variant type: single nucleotide variant.
Coding change: c.302A>G on transcript NM_000286.3 (MANE Select); coding-DNA position 302, A replaced by G.
Protein change: p.Gln101Arg; replaces glutamine 101 with arginine.
Molecular consequence: missense variant.
Genome position (GRCh38, 1-based): chr17:35,577,416, T>C on the plus strand (A>G on the coding strand, the complement: PEX12 is on the minus strand). VCF-style: chr17-35577416-T-C. GRCh37 (hg19) VCF-style: chr17-33904435-T-C.
Other names: short protein forms Q101R.
Identifiers: ClinVar variation 1978405 (VCV001978405.4), dbSNP rs2072792450, ClinGen allele CA399138424.
Genomic context (GRCh38, chr17:35,577,416, plus strand): 5'-ACCAGGAACATAATAGATTTCCAAAGCTGCTGCTTTGGGAGACCAGCACTAGCCAATCTC[T>C]GAGACTTGTGAGTGTCCCCCATTACAATTCTCTTTAAGCCGTAAAAGTTTTCAGAAAATG-3'
Protein context (NP_000277.1, residues 91-111): RIVMGDTHKS[Gln101Arg]RLASAGLPKQ